The following is an entry in ClinVar:

ClinVar aggregate classification (germline): Uncertain significance. Review status: criteria provided, multiple submitters, no conflicts (2 of 4 stars). 2 submissions from 2 submitters: Uncertain significance (2). Last evaluated 2025-04-02.

Allele frequency attached by ClinVar (database versions not stated): ExAC 0.00002; TOPMed 0.00003; gnomAD 0.00006; 1000 Genomes Project 30x 0.00016; 1000 Genomes Project 0.00020.
gnomAD v4.1: 59 of 1,614,166 alleles (0.0037%); highest among the groups gnomAD compares: Middle Eastern, 0.016%; no homozygotes.

Submissions (2):

Labcorp Genetics (formerly Invitae), Labcorp
Classification: Uncertain significance. Last evaluated: 2025-04-02. Review status: criteria provided, single submitter. Criteria: Invitae Variant Classification Sherloc (09022015). Collection method: clinical testing. Allele origin: germline.
Comment: This sequence change replaces arginine, which is basic and polar, with histidine, which is basic and polar, at codon 718 of the ATRIP protein (p.Arg718His). This variant is present in population databases (rs533749134, gnomAD 0.009%). This variant has not been reported in the literature in individuals affected with ATRIP-related conditions. ClinVar contains an entry for this variant (Variation ID: 2043936). An algorithm developed to predict the effect of missense changes on protein structure and function (PolyPhen-2) suggests that this variant is likely to be disruptive. In summary, the available evidence is currently insufficient to determine the role of this variant in disease. Therefore, it has been classified as a Variant of Uncertain Significance.

Ambry Genetics
Classification: Uncertain significance. Last evaluated: 2025-01-07. Review status: criteria provided, single submitter. Criteria: Ambry Variant Classification Scheme 2023. Collection method: clinical testing. Allele origin: germline.
Comment: The p.R718H variant (also known as c.2153G>A), located in coding exon 12 of the ATRIP gene, results from a G to A substitution at nucleotide position 2153. The arginine at codon 718 is replaced by histidine, an amino acid with highly similar properties. This amino acid position is not well conserved in available vertebrate species. In addition, the in silico prediction for this alteration is inconclusive. The evidence for this gene-disease relationship is limited; therefore, the clinical significance of this alteration is unclear.

NM_130384.3(ATRIP):c.2153G>A (p.Arg718His)

Genes: ATRIP (ATR interacting protein; plus strand), ATRIP-TREX1 (ATRIP-TREX1 readthrough; plus strand). Cytogenetic location: 3p21.31.
Variant type: single nucleotide variant.
Coding change: c.2153G>A on transcript NM_130384.3 (MANE Select); coding-DNA position 2153, G replaced by A.
Protein change: p.Arg718His; replaces arginine 718 with histidine.
Molecular consequence: missense variant. On other transcripts: non-coding transcript variant (1).
Genome position (GRCh38, 1-based): chr3:48,464,928, G>A. VCF-style: chr3-48464928-G-A. GRCh37 (hg19) VCF-style: chr3-48506327-G-A.
Other names: c.2153G>A (NM_130384.1); c.1772G>A, p.Arg591His (NM_001271022.2); c.1874G>A, p.Arg625His (NM_001271023.2); c.2072G>A, p.Arg691His (NM_032166.4); short protein forms R625H, R718H, R591H, R691H.
Identifiers: ClinVar variation 2043936 (VCV002043936.5), dbSNP rs533749134, ClinGen allele CA2376414.